The following is an entry in ClinVar:

NM_025137.4(SPG11):c.382A>G (p.Thr128Ala)

Gene: SPG11 (SPG11 vesicle trafficking associated, spatacsin; minus strand). Cytogenetic location: 15q21.1.
Variant type: single nucleotide variant.
Coding change: c.382A>G on transcript NM_025137.4 (MANE Select); coding-DNA position 382, A replaced by G.
Protein change: p.Thr128Ala; replaces threonine 128 with alanine.
Molecular consequence: missense variant.
Genome position (GRCh38, 1-based): chr15:44,660,492, T>C on the plus strand (A>G on the coding strand, the complement: SPG11 is on the minus strand). VCF-style: chr15-44660492-T-C. GRCh37 (hg19) VCF-style: chr15-44952690-T-C.
Other names: p.Thr128Ala; c.382A>G, p.Thr128Ala (NM_001160227.2); short protein forms T128A.
Identifiers: ClinVar variation 952649 (VCV000952649.12), dbSNP rs138969879, ClinGen allele CA7535857.

ClinVar aggregate classification (germline): Conflicting classifications of pathogenicity. Review status: criteria provided, conflicting classifications (1 of 4 stars). 4 submissions from 4 submitters: Uncertain significance (3); Likely benign (1). Last evaluated 2025-11-26.

Conditions:
Inborn genetic diseases. Identifiers: MedGen C0950123, MeSH D030342.
Hereditary spastic paraplegia 11. Also called: SPASTIC PARAPLEGIA, AUTOSOMAL RECESSIVE, COMPLICATED, WITH THIN CORPUS CALLOSUM; SPASTIC PARAPLEGIA, AUTOSOMAL RECESSIVE, WITH MENTAL IMPAIRMENT AND THIN CORPUS CALLOSUM; Spastic Paraplegia 11; Nakamura Osame syndrome; Autosomal recessive hereditary spastic paraplegia, mental impairment, and thin corpus callosum; Spastic paraplegia, mental retardation and thin corpus callosum. Identifiers: Orphanet 2822, MedGen C1858479, MONDO:0011445, OMIM 604360.

Allele frequency attached by ClinVar (database versions not stated): gnomAD exomes 0.00004; ExAC 0.00005; gnomAD 0.00017 and 0.00018; TOPMed 0.00018; 1000 Genomes Project 0.00020; ESP Exome Variant Server 0.00023; 1000 Genomes Project 30x 0.00031.
gnomAD v4.1: 59 of 1,614,168 alleles (0.0037%); highest among the groups gnomAD compares: African/African-American, 0.051%; no homozygotes.

Submissions (4):

Ambry Genetics
Classification: Uncertain significance for Inborn genetic diseases. Last evaluated: 2025-11-26. Review status: criteria provided, single submitter. Criteria: Ambry Variant Classification Scheme 2023. Collection method: clinical testing. Allele origin: germline.

Mayo Clinic Laboratories, Mayo Clinic
Classification: Uncertain significance. Last evaluated: 2025-06-05. Review status: criteria provided, single submitter. Criteria: ACMG Guidelines, 2015. Collection method: clinical testing. Allele origin: germline. Observed: 1 variant allele.
Comment: BP4_moderate

Women's Health and Genetics/Laboratory Corporation of America, LabCorp
Classification: Uncertain significance. Last evaluated: 2024-11-27. Review status: criteria provided, single submitter. Criteria: LabCorp Variant Classification Summary - May 2015. Collection method: clinical testing. Allele origin: germline.
Comment: Variant summary: SPG11 c.382A>G (p.Thr128Ala) results in a non-conservative amino acid change in the encoded protein sequence. Four of five in-silico tools predict a benign effect of the variant on protein function. The variant allele was found at a frequency of 4e-05 in 251388 control chromosomes. This frequency is not significantly higher than estimated for a pathogenic variant in SPG11 causing Hereditary Spastic Paraplegia, Type 11 (4e-05 vs 0.0011), allowing no conclusion about variant significance. To our knowledge, no occurrence of c.382A>G in individuals affected with Hereditary Spastic Paraplegia, Type 11 and no experimental evidence demonstrating its impact on protein function have been reported. ClinVar contains an entry for this variant (Variation ID: 952649). Based on the evidence outlined above, the variant was classified as uncertain significance.

Labcorp Genetics (formerly Invitae), Labcorp
Classification: Likely benign for Hereditary spastic paraplegia 11. Last evaluated: 2024-10-21. Review status: criteria provided, single submitter. Criteria: Invitae Variant Classification Sherloc (09022015). Collection method: clinical testing. Allele origin: germline.